The following is an entry in ClinVar:

NM_020738.4(KIDINS220):c.1557G>A (p.Thr519=)

Gene: KIDINS220 (kinase D interacting substrate 220; minus strand). Cytogenetic location: 2p25.1.
Variant type: single nucleotide variant.
Coding change: c.1557G>A on transcript NM_020738.4 (MANE Select); coding-DNA position 1557, G replaced by A.
Protein change: p.Thr519=; no amino-acid change (threonine 519 retained).
Molecular consequence: synonymous variant. On other transcripts: non-coding transcript variant (2).
Genome position (GRCh38, 1-based): chr2:8,789,944, C>T on the plus strand (G>A on the coding strand, the complement: KIDINS220 is on the minus strand). VCF-style: chr2-8789944-C-T. GRCh37 (hg19) VCF-style: chr2-8930074-C-T.
Other names: c.1557G>A (NM_020738.2); c.1560G>A, p.Thr520= (NM_001348729.2, NM_001348731.2, NM_001348734.2 and 3 more transcripts); c.1557G>A, p.Thr519= (NM_001348732.2, NM_001348735.2, NM_001348738.2 and 3 more transcripts); c.1431G>A, p.Thr477= (NM_001348736.2).
Identifiers: ClinVar variation 2140043 (VCV002140043.6), dbSNP rs370240605, ClinGen allele CA1520158.

ClinVar aggregate classification (germline): Likely benign. Review status: criteria provided, single submitter (1 of 4 stars). 2 submissions from 2 submitters: Likely benign (1). 1 of the submissions does not count toward it. Last evaluated 2025-02-03.

Conditions:
KIDINS220-related disorder. Also called: KIDINS220-related condition.

Allele frequency attached by ClinVar (database versions not stated): gnomAD exomes 0.00001; ExAC 0.00002; TOPMed 0.00002.
gnomAD v4.1: 17 of 1,613,826 alleles (0.0011%); highest among the groups gnomAD compares: Admixed American, 0.0083%; no homozygotes.

Submissions (2):

Labcorp Genetics (formerly Invitae), Labcorp
Classification: Likely benign. Last evaluated: 2025-02-03. Review status: criteria provided, single submitter. Criteria: Invitae Variant Classification Sherloc (09022015). Collection method: clinical testing. Allele origin: germline.

PreventionGenetics, part of Exact Sciences
Classification: Likely benign for KIDINS220-related condition. Last evaluated: 2024-07-16. Review status: no assertion criteria provided. Collection method: clinical testing. Allele origin: germline. Not counted in ClinVar's aggregate classification.
Comment: This variant is classified as likely benign based on ACMG/AMP sequence variant interpretation guidelines (Richards et al. 2015 PMID: 25741868, with internal and published modifications).